The following is an entry in ClinVar:

ClinVar aggregate classification (germline): Likely benign. Review status: criteria provided, multiple submitters, no conflicts (2 of 4 stars). 3 submissions from 3 submitters: Likely benign (3). Last evaluated 2025-10-22.

Conditions:
Nemaline myopathy 2 (NEM2). Also called: Nemaline myopathy 2, autosomal recessive. Identifiers: MedGen C1850569, MONDO:0009725, OMIM 256030.

Allele frequency attached by ClinVar (database versions not stated): gnomAD exomes 0.00002.

Submissions (3):

Labcorp Genetics (formerly Invitae), Labcorp
Classification: Likely benign for Nemaline myopathy 2. Last evaluated: 2025-10-22. Review status: criteria provided, single submitter. Criteria: Invitae Variant Classification Sherloc (09022015). Collection method: clinical testing. Allele origin: germline.

Blueprint Genetics
Classification: Likely benign. Last evaluated: 2021-09-17. Review status: criteria provided, single submitter. Criteria: ACMG Guidelines, 2015. Collection method: clinical testing. Allele origin: germline.

GeneDx
Classification: Likely benign. Last evaluated: 2017-07-31. Review status: criteria provided, single submitter. Criteria: GeneDx Variant Classification (06012015). Collection method: clinical testing. Allele origin: germline. Affected: yes.
Comment: This variant is considered likely benign or benign based on one or more of the following criteria: it is a conservative change, it occurs at a poorly conserved position in the protein, it is predicted to be benign by multiple in silico algorithms, and/or has population frequency not consistent with disease.

NM_001164508.2(NEB):c.19398G>A (p.Arg6466=)

Gene: NEB (nebulin; minus strand). Cytogenetic location: 2q23.3.
Variant type: single nucleotide variant.
Coding change: c.19398G>A on transcript NM_001164508.2 (MANE Select); coding-DNA position 19398, G replaced by A.
Protein change: p.Arg6466=; no amino-acid change (arginine 6466 retained).
Molecular consequence: synonymous variant.
Genome position (GRCh38, 1-based): chr2:151,554,961, C>T on the plus strand (G>A on the coding strand, the complement: NEB is on the minus strand). VCF-style: chr2-151554961-C-T. GRCh37 (hg19) VCF-style: chr2-152411475-C-T.
Other names: c.19398G>A, p.Arg6466= (NM_001164507.2, NM_001271208.2); c.14295G>A, p.Arg4765= (NM_004543.5).
Identifiers: ClinVar variation 511121 (VCV000511121.10), dbSNP rs867834427, ClinGen allele CA57649270.